The following is an entry in ClinVar:

NM_000141.5(FGFR2):c.939+5G>T

Gene: FGFR2 (fibroblast growth factor receptor 2; minus strand). Cytogenetic location: 10q26.13.
Variant type: single nucleotide variant.
Coding change: c.939+5G>T on transcript NM_000141.5 (MANE Select); 5 bases into the intron after coding-DNA position 939, G replaced by T.
Molecular consequence: intron variant.
Genome position (GRCh38, 1-based): chr10:121,519,974, C>A on the plus strand (G>T on the coding strand, the complement: FGFR2 is on the minus strand). VCF-style: chr10-121519974-C-A. GRCh37 (hg19) VCF-style: chr10-123279488-C-A.
Other names: c.749-4655G>T (NM_001144914.1); c.594+5G>T (NM_001144918.2, NM_001441091.1, NM_001441090.1 and 1 more transcripts); c.672+5G>T (NM_001441089.1, NM_023029.3, NM_001441088.1 and 2 more transcripts); c.939+5G>T (NM_001144917.2, NM_001320658.2, NM_001441087.1 and 2 more transcripts); c.255+5G>T (NM_001320654.2).
Identifiers: ClinVar variation 4882565 (VCV004882565.2).

ClinVar aggregate classification (germline): Uncertain significance (1 of 4 stars; one submission).

Submission:

Dasa
Classification: Uncertain significance. Last evaluated: 2024-11-29. Review status: criteria provided, single submitter. Criteria: DASA Assertion Criteria. Collection method: clinical testing. Allele origin: germline.
Comment: NM_000141.5(FGFR2):c.939+5G>T is a splice-region variant predicted to affect normal RNA splicing. This variant is absent from population databases. Computational prediction algorithms are consistent with a deleterious effect. The currently available literature and clinical evidence are not sufficient to establish a definitive association between this variant and the reported condition. Therefore, this variant is classified as a variant of uncertain significance.